The following is an entry in ClinVar:

NM_199242.3(UNC13D):c.1606C>G (p.Arg536Gly)

Gene: UNC13D (unc-13 homolog D; minus strand). Cytogenetic location: 17q25.1.
Variant type: single nucleotide variant.
Coding change: c.1606C>G on transcript NM_199242.3 (MANE Select); coding-DNA position 1606, C replaced by G.
Protein change: p.Arg536Gly; replaces arginine 536 with glycine.
Molecular consequence: missense variant.
Genome position (GRCh38, 1-based): chr17:75,835,768, G>C on the plus strand (C>G on the coding strand, the complement: UNC13D is on the minus strand). VCF-style: chr17-75835768-G-C. GRCh37 (hg19) VCF-style: chr17-73831849-G-C.
Other names: short protein forms R536G.
Identifiers: ClinVar variation 1042360 (VCV001042360.7), dbSNP rs780530249, ClinGen allele CA401096590.

ClinVar aggregate classification (germline): Uncertain significance (1 of 4 stars; one submission).

Conditions:
Familial hemophagocytic lymphohistiocytosis 3 (FHL3). Also called: UNC13D-Related Familial Hemophagocytic Lymphohistiocytosis (UNC13D-fHLH). Identifiers: Orphanet 540, MedGen C1837174, MONDO:0012146, OMIM 608898.

gnomAD v4.1: 1 of 1,613,930 alleles (0.000062%); highest among the groups gnomAD compares: Non-Finnish European, 0.000085%; no homozygotes.

Submission:

Labcorp Genetics (formerly Invitae), Labcorp
Classification: Uncertain significance for Familial hemophagocytic lymphohistiocytosis 3. Last evaluated: 2021-02-26. Review status: criteria provided, single submitter. Criteria: Invitae Variant Classification Sherloc (09022015). Collection method: clinical testing. Allele origin: germline.
Comment: In summary, the available evidence is currently insufficient to determine the role of this variant in disease. Therefore, it has been classified as a Variant of Uncertain Significance. Algorithms developed to predict the effect of missense changes on protein structure and function are either unavailable or do not agree on the potential impact of this missense change (SIFT: "Not Available"; PolyPhen-2: "Benign"; Align-GVGD: "Not Available"). This variant has not been reported in the literature in individuals with UNC13D-related conditions. This sequence change replaces arginine with glycine at codon 536 of the UNC13D protein (p.Arg536Gly). The arginine residue is weakly conserved and there is a moderate physicochemical difference between arginine and glycine. This variant is not present in population databases (ExAC no frequency).